The following is an entry in ClinVar:

ClinVar aggregate classification (germline): Uncertain significance. Review status: criteria provided, multiple submitters, no conflicts (2 of 4 stars). 2 submissions from 2 submitters: Uncertain significance (2). Last evaluated 2022-01-17.

Conditions:
Inborn genetic diseases. Identifiers: MedGen C0950123, MeSH D030342.
Combined oxidative phosphorylation defect type 27. Also called: Combined oxidative phosphorylation deficiency 27. Identifiers: Orphanet 477774, MedGen C5567608, MONDO:0014728, OMIM 616672.

Allele frequency attached by ClinVar (database versions not stated): ExAC 0.00001; TOPMed 0.00003.
gnomAD v4.1: 14 of 1,612,778 alleles (0.00087%); highest among the groups gnomAD compares: Admixed American, 0.01%; no homozygotes.

Submissions (2):

Labcorp Genetics (formerly Invitae), Labcorp
Classification: Uncertain significance for Combined oxidative phosphorylation defect type 27. Last evaluated: 2022-01-17. Review status: criteria provided, single submitter. Criteria: Invitae Variant Classification Sherloc (09022015). Collection method: clinical testing. Allele origin: germline.
Comment: This sequence change replaces arginine, which is basic and polar, with glycine, which is neutral and non-polar, at codon 350 of the CARS2 protein (p.Arg350Gly). This variant is present in population databases (rs773231493, gnomAD 0.02%). This missense change has been observed in individual(s) with clinical features of CARS2-related conditions (Invitae). ClinVar contains an entry for this variant (Variation ID: 475613). Algorithms developed to predict the effect of missense changes on protein structure and function are either unavailable or do not agree on the potential impact of this missense change (SIFT: "Deleterious"; PolyPhen-2: "Probably Damaging"; Align-GVGD: "Class C0"). In summary, the available evidence is currently insufficient to determine the role of this variant in disease. Therefore, it has been classified as a Variant of Uncertain Significance.

Ambry Genetics
Classification: Uncertain significance for Inborn genetic diseases. Last evaluated: 2021-07-09. Review status: criteria provided, single submitter. Criteria: Ambry Variant Classification Scheme 2023. Collection method: clinical testing. Allele origin: germline.

NM_024537.4(CARS2):c.1048C>G (p.Arg350Gly)

Gene: CARS2 (cysteinyl-tRNA synthetase 2, mitochondrial; minus strand). Cytogenetic location: 13q34.
Variant type: single nucleotide variant.
Coding change: c.1048C>G on transcript NM_024537.4 (MANE Select); coding-DNA position 1048, C replaced by G.
Protein change: p.Arg350Gly; replaces arginine 350 with glycine.
Molecular consequence: missense variant. On other transcripts: non-coding transcript variant (2).
Genome position (GRCh38, 1-based): chr13:110,651,040, G>C on the plus strand (C>G on the coding strand, the complement: CARS2 is on the minus strand). VCF-style: chr13-110651040-G-C. GRCh37 (hg19) VCF-style: chr13-111303387-G-C.
Other names: c.262C>G, p.Arg88Gly (NM_001352252.2); c.1048C>G (NM_024537.2); short protein forms R350G, R88G.
Identifiers: ClinVar variation 475613 (VCV000475613.8), dbSNP rs773231493, ClinGen allele CA7051967.